The following is an entry in ClinVar:

NM_001375808.2(LPIN2):c.1399C>T (p.Pro467Ser)

Gene: LPIN2 (lipin 2; minus strand). Cytogenetic location: 18p11.31.
Variant type: single nucleotide variant.
Coding change: c.1399C>T on transcript NM_001375808.2 (MANE Select); coding-DNA position 1399, C replaced by T.
Protein change: p.Pro467Ser; replaces proline 467 with serine.
Molecular consequence: missense variant.
Genome position (GRCh38, 1-based): chr18:2,931,313, G>A on the plus strand (C>T on the coding strand, the complement: LPIN2 is on the minus strand). VCF-style: chr18-2931313-G-A. GRCh37 (hg19) VCF-style: chr18-2931311-G-A.
Other names: c.1399C>T, p.Pro467Ser (NM_001375809.1, NM_014646.2); short protein forms P467S.
Identifiers: ClinVar variation 1489647 (VCV001489647.8), dbSNP rs2144161696, ClinGen allele CA401704262.
Genomic context (GRCh38, chr18:2,931,313, plus strand): 5'-TACCTTTTGAAATTTCTCCATTTTCACTGAGGCCCCCGCAAAGGGAGAGGGTAACGTCAG[G>A]CAAGTCCATGGCAGAATCTGAGAGGCACTCGGTGCCGCTATCTGCAGCTGCGCTTCCCAC-3'
Protein context (NP_001362737.1, residues 457-477): ECLSDSAMDL[Pro467Ser]DVTLSLCGGL

ClinVar aggregate classification (germline): Uncertain significance (1 of 4 stars; one submission).

Conditions:
Majeed syndrome (MJDS). Also called: CHRONIC RECURRENT MULTIFOCAL OSTEOMYELITIS 1, WITH CONGENITAL DYSERYTHROPOIETIC ANEMIA, WITH OR WITHOUT NEUTROPHILIC DERMATOSIS; LPIN2-Related Majeed Syndrome. Identifiers: Orphanet 77297, MedGen C1864997, MONDO:0012316, OMIM 609628.

Submission:

Labcorp Genetics (formerly Invitae), Labcorp
Classification: Uncertain significance for Majeed syndrome. Last evaluated: 2020-10-28. Review status: criteria provided, single submitter. Criteria: Invitae Variant Classification Sherloc (09022015). Collection method: clinical testing. Allele origin: germline.
Comment: In summary, the available evidence is currently insufficient to determine the role of this variant in disease. Therefore, it has been classified as a Variant of Uncertain Significance. Algorithms developed to predict the effect of missense changes on protein structure and function are either unavailable or do not agree on the potential impact of this missense change (SIFT: "Tolerated"; PolyPhen-2: "Probably Damaging"; Align-GVGD: "Class C0"). This variant has not been reported in the literature in individuals with LPIN2-related conditions. This variant is not present in population databases (ExAC no frequency). This sequence change replaces proline with serine at codon 467 of the LPIN2 protein (p.Pro467Ser). The proline residue is moderately conserved and there is a moderate physicochemical difference between proline and serine.